The following is an entry in ClinVar:

ClinVar aggregate classification (germline): Likely benign (0 of 4 stars; one submission).

Conditions:
LAMA5-related disorder. Also called: LAMA5-Related Disorders; LAMA5-related condition.

Allele frequency attached by ClinVar (database versions not stated): TOPMed 0.00015; ExAC 0.00017; 1000 Genomes Project 0.00100; 1000 Genomes Project 30x 0.00109; gnomAD exomes 0.00005; gnomAD 0.00011.
gnomAD v4.1: 91 of 1,611,370 alleles (0.0056%); highest among the groups gnomAD compares: East Asian, 0.19%; no homozygotes.

Submission:

PreventionGenetics, part of Exact Sciences
Classification: Likely benign for LAMA5-related condition. Last evaluated: 2022-12-21. Review status: no assertion criteria provided. Collection method: clinical testing. Allele origin: germline.
Comment: This variant is classified as likely benign based on ACMG/AMP sequence variant interpretation guidelines (Richards et al. 2015 PMID: 25741868, with internal and published modifications).

NM_005560.6(LAMA5):c.10735-4C>A

Gene: LAMA5 (laminin subunit alpha 5; minus strand). Cytogenetic location: 20q13.33.
Variant type: single nucleotide variant.
Coding change: c.10735-4C>A on transcript NM_005560.6 (MANE Select); 4 bases into the intron before coding-DNA position 10735, C replaced by A.
Molecular consequence: intron variant.
Genome position (GRCh38, 1-based): chr20:62,310,085, G>T on the plus strand (C>A on the coding strand, the complement: LAMA5 is on the minus strand). VCF-style: chr20-62310085-G-T. GRCh37 (hg19) VCF-style: chr20-60885141-G-T.
Identifiers: ClinVar variation 3054793 (VCV003054793.2), dbSNP rs544501244, ClinGen allele CA9939641.